The following is an entry in ClinVar:

ClinVar aggregate classification (germline): Uncertain significance (1 of 4 stars; one submission).

Conditions:
Ventricular arrhythmias due to cardiac ryanodine receptor calcium release deficiency syndrome. Also called: Autosomal dominant cardiac arrhythmia (Kuhn). Identifiers: MedGen C5542154, MONDO:0020745, OMIM 115000.
Catecholaminergic polymorphic ventricular tachycardia 1. Also called: VENTRICULAR TACHYCARDIA, CATECHOLAMINERGIC POLYMORPHIC, 1, WITH OR WITHOUT ATRIAL DYSFUNCTION AND/OR DILATED CARDIOMYOPATHY; VENTRICULAR TACHYCARDIA, STRESS-INDUCED POLYMORPHIC 1; RYR2-Related Catecholaminergic Polymorphic Ventricular Tachycardia. Identifiers: Orphanet 3286, MedGen C1631597, MONDO:0011484, OMIM 604772.

Submission:

Juno Genomics, Hangzhou Juno Genomics, Inc
Classification: Uncertain significance for Ventricular arrhythmias due to cardiac ryanodine receptor calcium release deficiency syndrome; Catecholaminergic polymorphic ventricular tachycardia 1. Review status: criteria provided, single submitter. Criteria: ACMG Guidelines, 2015. Collection method: clinical testing. Allele origin: germline.
Comment: Absent from controls (or at extremely low frequency if recessive) in Genome Aggregation Database.;Multiple lines of computational evidence support a deleterious effect on the gene or gene product.

NM_001035.3(RYR2):c.13782+21G>C

Gene: RYR2 (ryanodine receptor 2; plus strand). Cytogenetic location: 1q43.
Variant type: single nucleotide variant.
Coding change: c.13782+21G>C on transcript NM_001035.3 (MANE Select); 21 bases into the intron after coding-DNA position 13782, G replaced by C.
Molecular consequence: intron variant.
Genome position (GRCh38, 1-based): chr1:237,792,344, G>C. VCF-style: chr1-237792344-G-C. GRCh37 (hg19) VCF-style: chr1-237955644-G-C.
Identifiers: ClinVar variation 5006346 (VCV005006346.2).